The following is an entry in ClinVar:

ClinVar aggregate classification (germline): Uncertain significance (1 of 4 stars; one submission).

Submission:

Women's Health and Genetics/Laboratory Corporation of America, LabCorp
Classification: Uncertain significance. Last evaluated: 2023-05-18. Review status: criteria provided, single submitter. Criteria: LabCorp Variant Classification Summary - May 2015. Collection method: clinical testing. Allele origin: germline.
Comment: Variant summary: GPR143 c.553G>A (p.Glu185Lys) results in a conservative amino acid change in the encoded protein sequence. Four of five in-silico tools predict a damaging effect of the variant on protein function. The variant was absent in 183230 control chromosomes (gnomAD). The available data on variant occurrences in the general population are insufficient to allow any conclusion about variant significance. Thus, this report does not provide unequivocal conclusions about association of the variant with Ocular albinism, type I. To our knowledge, no experimental evidence demonstrating an impact on protein function has been reported. The following publication has been ascertained in the context of this evaluation (PMID: 17822861). No clinical diagnostic laboratories have submitted clinical-significance assessments for this variant to ClinVar after 2014. Based on the evidence outlined above, the variant was classified as uncertain significance.

Literature cited by the submitters: PubMed 17822861.

NM_000273.3(GPR143):c.553G>A (p.Glu185Lys)

Gene: GPR143 (G protein-coupled receptor 143; minus strand). Cytogenetic location: Xp22.2.
Variant type: single nucleotide variant.
Coding change: c.553G>A on transcript NM_000273.3 (MANE Select); coding-DNA position 553, G replaced by A.
Protein change: p.Glu185Lys; replaces glutamic acid 185 with lysine.
Molecular consequence: missense variant.
Genome position (GRCh38, 1-based): chrX:9,746,149, C>T on the plus strand (G>A on the coding strand, the complement: GPR143 is on the minus strand). VCF-style: chrX-9746149-C-T. GRCh37 (hg19) VCF-style: chrX-9714189-C-T.
Other names: short protein forms E185K.
Identifiers: ClinVar variation 2506171 (VCV002506171.1), dbSNP rs2518628570, ClinGen allele CA411997428.
Genomic context (GRCh38, chrX:9,746,149, plus strand): 5'-CCAGCAGCAGGGGCAGGTACATGGTGACATAGTGGGGGATGGCGTGGTCCAGGCCCCGCT[C>T]ACACCTGAGAGAGGAAAACCAAAGTCATTCTTCTCAAAAGCAAAGTTTTGGCTAAAAGAC-3'
Protein context (NP_000264.2, residues 175-195): MLYYPSVSRC[Glu185Lys]RGLDHAIPHY